The following is an entry in ClinVar:

NM_001197104.2(KMT2A):c.753T>C (p.Asp251=)

Gene: KMT2A (lysine methyltransferase 2A; plus strand). Cytogenetic location: 11q23.3.
Variant type: single nucleotide variant.
Coding change: c.753T>C on transcript NM_001197104.2 (MANE Select); coding-DNA position 753, T replaced by C.
Protein change: p.Asp251=; no amino-acid change (aspartic acid 251 retained).
Molecular consequence: synonymous variant.
Genome position (GRCh38, 1-based): chr11:118,471,912, T>C. VCF-style: chr11-118471912-T-C. GRCh37 (hg19) VCF-style: chr11-118342627-T-C.
Other names: c.852T>C, p.Asp284= (NM_001412597.1); c.753T>C, p.Asp251= (NM_005933.4).
Identifiers: ClinVar variation 3898432 (VCV003898432.7).

ClinVar aggregate classification (germline): Likely benign (1 of 4 stars; one submission).

gnomAD v4.1: 3 of 1,613,708 alleles (0.00019%); highest among the groups gnomAD compares: Non-Finnish European, 0.00017%; no homozygotes.

Submission:

CeGaT Center for Human Genetics Tuebingen
Classification: Likely benign. Last evaluated: 2025-04-01. Review status: criteria provided, single submitter. Criteria: CeGaT Center For Human Genetics Tuebingen Variant Classification Criteria Version 2. Collection method: clinical testing. Allele origin: germline. Affected: yes. Observed: 1 variant allele.
Comment: KMT2A: BP4, BP7